The following is an entry in ClinVar:

NM_001114753.3(ENG):c.310A>G (p.Ser104Gly)

Gene: ENG (endoglin; minus strand). Cytogenetic location: 9q34.11.
Variant type: single nucleotide variant.
Coding change: c.310A>G on transcript NM_001114753.3 (MANE Select); coding-DNA position 310, A replaced by G.
Protein change: p.Ser104Gly; replaces serine 104 with glycine.
Molecular consequence: missense variant. On other transcripts: 5 prime UTR variant (1).
Genome position (GRCh38, 1-based): chr9:127,829,737, T>C on the plus strand (A>G on the coding strand, the complement: ENG is on the minus strand). VCF-style: chr9-127829737-T-C. GRCh37 (hg19) VCF-style: chr9-130592016-T-C.
Other names: c.310A>G (NM_001114753.1); c.310A>G, p.Ser104Gly (NM_000118.4, NM_001406715.1); c.-237A>G (NM_001278138.2); short protein forms S104G.
Identifiers: ClinVar variation 528062 (VCV000528062.12), dbSNP rs757343854, ClinGen allele CA5253163.

ClinVar aggregate classification (germline): Uncertain significance. Review status: criteria provided, multiple submitters, no conflicts (2 of 4 stars). 2 submissions from 2 submitters: Uncertain significance (2). Last evaluated 2026-04-23.

Conditions:
Hereditary hemorrhagic telangiectasia (HHT). Also called: Osler hemorrhagic telangiectasia syndrome; ORW DISEASE; Osler Weber Rendu syndrome; OSLER-RENDU-WEBER DISEASE. Identifiers: Orphanet 774, MedGen C0039445, MONDO:0019180. Disease mechanism: loss of function.
Cardiovascular phenotype. Identifiers: MedGen CN230736.

Allele frequency attached by ClinVar (database versions not stated): ExAC 0.00001; gnomAD 0.00001; TOPMed 0.00001; gnomAD exomes below 0.00001.
gnomAD v4.1: 8 of 1,613,970 alleles (0.0005%); highest among the groups gnomAD compares: Non-Finnish European, 0.00068%; no homozygotes.

Submissions (2):

Ambry Genetics
Classification: Uncertain significance for Cardiovascular phenotype. Last evaluated: 2026-04-23. Review status: criteria provided, single submitter. Criteria: Ambry Variant Classification Scheme 2023. Collection method: clinical testing. Allele origin: germline.

Labcorp Genetics (formerly Invitae), Labcorp
Classification: Uncertain significance for Hereditary hemorrhagic telangiectasia. Last evaluated: 2024-09-30. Review status: criteria provided, single submitter. Criteria: Invitae Variant Classification Sherloc (09022015). Collection method: clinical testing. Allele origin: germline.
Comment: This sequence change replaces serine, which is neutral and polar, with glycine, which is neutral and non-polar, at codon 104 of the ENG protein (p.Ser104Gly). This variant is present in population databases (rs757343854, gnomAD 0.0009%). This variant has not been reported in the literature in individuals affected with ENG-related conditions. ClinVar contains an entry for this variant (Variation ID: 528062). Invitae Evidence Modeling of protein sequence and biophysical properties (such as structural, functional, and spatial information, amino acid conservation, physicochemical variation, residue mobility, and thermodynamic stability) indicates that this missense variant is not expected to disrupt ENG protein function with a negative predictive value of 80%. In summary, the available evidence is currently insufficient to determine the role of this variant in disease. Therefore, it has been classified as a Variant of Uncertain Significance.